The following is an entry in ClinVar:

NM_000520.6(HEXA):c.228dup (p.Ser77fs)

Gene: HEXA (hexosaminidase subunit alpha; minus strand). Cytogenetic location: 15q23.
Variant type: Duplication.
Coding change: c.228dup on transcript NM_000520.6 (MANE Select); coding-DNA position 228, one base duplicated (G; older notation c.228dupG).
Protein change: p.Ser77fs; shifts the reading frame from serine 77.
Molecular consequence: frameshift variant. On other transcripts: non-coding transcript variant (1).
Genome position (GRCh38, 1-based): chr15:72,375,745, C duplicated on the plus strand (G on the coding strand, the reverse complement: HEXA is on the minus strand); the first of 3 consecutive C bases (chr15:72,375,745-72,375,747); duplicating any one gives the same sequence. VCF-style (leftmost placement, unchanged base first): chr15-72375744-A-AC. GRCh37 (hg19) VCF-style: chr15-72668085-A-AC.
Other names: c.228dup, p.Ser77fs (NM_001318825.2); short protein forms S77fs.
Identifiers: ClinVar variation 5011887 (VCV005011887.1).

ClinVar aggregate classification (germline): Pathogenic (1 of 4 stars; one submission).

Conditions:
Tay-Sachs disease (TSD). Also called: HEXA DEFICIENCY; GM2 gangliosidosis, type 1; Hexosaminidase alpha-subunit deficiency (variant B); Sphingolipidosis, Tay-Sachs; Hexosaminidase A Deficiency; HEXA Disorders. Identifiers: Orphanet 845, MedGen C0039373, MONDO:0010100, OMIM 272800.

Submission:

Myriad Genetics, Inc.
Classification: Pathogenic for Tay-Sachs disease. Last evaluated: 2023-09-27. Review status: criteria provided, single submitter. Criteria: Myriad Autosomal Dominant, Autosomal Recessive and X-Linked Classification Criteria (2023). Collection method: clinical testing. Allele origin: unknown.
Comment: NM_000520.4(HEXA):c.228dupG(S77Vfs*29) is expected to be pathogenic in the context of hexosaminidase A deficiency. This variant is predicted to lead to an abnormal or absent protein product due to the creation of a premature termination codon in HEXA, a gene where loss-of-function variants are known to be pathogenic. Please note: this variant was assessed in the context of healthy population screening.